The following is an entry in ClinVar:

NM_002878.4(RAD51D):c.304G>A (p.Val102Met)

Genes: RAD51D (RAD51 paralog D; minus strand), RAD51L3-RFFL (RAD51L3-RFFL readthrough; minus strand). Cytogenetic location: 17q12.
Variant type: single nucleotide variant.
Coding change: c.304G>A on transcript NM_002878.4 (MANE Select); coding-DNA position 304, G replaced by A.
Protein change: p.Val102Met; replaces valine 102 with methionine.
Molecular consequence: missense variant. On other transcripts: non-coding transcript variant (2), intron variant (1).
Genome position (GRCh38, 1-based): chr17:35,107,407, C>T on the plus strand (G>A on the coding strand, the complement: RAD51D is on the minus strand). VCF-style: chr17-35107407-C-T. GRCh37 (hg19) VCF-style: chr17-33434426-C-T.
Other names: c.364G>A, p.Val122Met (NM_001142571.2); c.145-926G>A (NM_133629.3); short protein forms V102M, V122M.
Identifiers: ClinVar variation 1331819 (VCV001331819.4), dbSNP rs2142436933, ClinGen allele CA399089958.

ClinVar aggregate classification (germline): Uncertain significance. Review status: criteria provided, multiple submitters, no conflicts (2 of 4 stars). 2 submissions from 2 submitters: Uncertain significance (2). Last evaluated 2024-03-06.

Conditions:
Hereditary cancer-predisposing syndrome. Also called: Tumor predisposition; Hereditary Cancer Syndrome; Neoplastic Syndromes, Hereditary; Hereditary neoplastic syndrome. Identifiers: Orphanet 140162, MedGen C0027672, MeSH D009386, MONDO:0015356.

Submissions (2):

Color Diagnostics, LLC DBA Color Health
Classification: Uncertain significance for Hereditary cancer-predisposing syndrome. Last evaluated: 2024-03-06. Review status: criteria provided, single submitter. Criteria: ACMG Guidelines, 2015. Collection method: clinical testing. Allele origin: germline.
Comment: This missense variant replaces valine with methionine at codon 102 of the RAD51D protein. Computational prediction suggests that this variant may not impact protein structure and function (internally defined REVEL score threshold <= 0.5, PMID: 27666373). To our knowledge, functional studies have not been reported for this variant. This variant has not been reported in individuals affected with hereditary cancer in the literature. This variant has not been identified in the general population by the Genome Aggregation Database (gnomAD). The available evidence is insufficient to determine the role of this variant in disease conclusively. Therefore, this variant is classified as a Variant of Uncertain Significance.

Ambry Genetics
Classification: Uncertain significance for Hereditary cancer-predisposing syndrome. Last evaluated: 2023-11-02. Review status: criteria provided, single submitter. Criteria: Ambry Variant Classification Scheme 2023. Collection method: clinical testing. Allele origin: germline.
Comment: The p.V102M variant (also known as c.304G>A), located in coding exon 4 of the RAD51D gene, results from a G to A substitution at nucleotide position 304. The valine at codon 102 is replaced by methionine, an amino acid with highly similar properties. This amino acid position is well conserved in available vertebrate species. In addition, the in silico prediction for this alteration is inconclusive. Since supporting evidence is limited at this time, the clinical significance of this alteration remains unclear.